The following is an entry in ClinVar:

NM_004415.4(DSP):c.8446C>T (p.Pro2816Ser)

Gene: DSP (desmoplakin; plus strand). Cytogenetic location: 6p24.3.
Variant type: single nucleotide variant.
Coding change: c.8446C>T on transcript NM_004415.4 (MANE Select); coding-DNA position 8446, C replaced by T.
Protein change: p.Pro2816Ser; replaces proline 2816 with serine.
Molecular consequence: missense variant.
Genome position (GRCh38, 1-based): chr6:7,585,708, C>T. VCF-style: chr6-7585708-C-T. GRCh37 (hg19) VCF-style: chr6-7585941-C-T.
Other names: c.6649C>T, p.Pro2217Ser (NM_001008844.3); c.7117C>T, p.Pro2373Ser (NM_001319034.2); short protein forms P2217S, P2373S, P2816S.
Identifiers: ClinVar variation 3755872 (VCV003755872.2).

ClinVar aggregate classification (germline): Uncertain significance (1 of 4 stars; one submission).

Conditions:
Arrhythmogenic right ventricular dysplasia 8 (ARVD8). Also called: Arrhythmogenic Right Ventricular Dysplasia/Cardiomyopathy 8; ARRHYTHMOGENIC RIGHT VENTRICULAR DYSPLASIA, FAMILIAL, 8; ARRHYTHMOGENIC RIGHT VENTRICULAR CARDIOMYOPATHY 8. Identifiers: MedGen C1843896, MONDO:0011831, OMIM 607450.
Arrhythmogenic cardiomyopathy with wooly hair and keratoderma. Also called: PALMOPLANTAR KERATODERMA WITH LEFT VENTRICULAR CARDIOMYOPATHY AND WOOLLY HAIR; Carvajal syndrome; Dilated cardiomyopathy with woolly hair and keratoderma; Arrhythmogenic cardiomyopathy with woolly hair and keratoderma. Identifiers: Orphanet 65282, MedGen C1854063, MONDO:0011581, OMIM 605676.

Submission:

Labcorp Genetics (formerly Invitae), Labcorp
Classification: Uncertain significance for Arrhythmogenic cardiomyopathy with wooly hair and keratoderma; Arrhythmogenic right ventricular dysplasia 8. Last evaluated: 2024-04-15. Review status: criteria provided, single submitter. Criteria: Invitae Variant Classification Sherloc (09022015). Collection method: clinical testing. Allele origin: germline.
Comment: This sequence change replaces proline, which is neutral and non-polar, with serine, which is neutral and polar, at codon 2816 of the DSP protein (p.Pro2816Ser). This variant is not present in population databases (gnomAD no frequency). This variant has not been reported in the literature in individuals affected with DSP-related conditions. An algorithm developed to predict the effect of missense changes on protein structure and function (PolyPhen-2) suggests that this variant is likely to be disruptive. In summary, the available evidence is currently insufficient to determine the role of this variant in disease. Therefore, it has been classified as a Variant of Uncertain Significance.